The following is an entry in ClinVar:

NM_005881.4(BCKDK):c.341T>C (p.Phe114Ser)

Gene: BCKDK (branched chain keto acid dehydrogenase kinase; plus strand). Cytogenetic location: 16p11.2.
Variant type: single nucleotide variant.
Coding change: c.341T>C on transcript NM_005881.4 (MANE Select); coding-DNA position 341, T replaced by C.
Protein change: p.Phe114Ser; replaces phenylalanine 114 with serine.
Molecular consequence: missense variant.
Genome position (GRCh38, 1-based): chr16:31,109,749, T>C. VCF-style: chr16-31109749-T-C. GRCh37 (hg19) VCF-style: chr16-31121070-T-C.
Other names: c.341T>C, p.Phe114Ser (NM_001122957.4, NM_001271926.3); short protein forms F114S.
Identifiers: ClinVar variation 1700259 (VCV001700259.2), dbSNP rs2143939175, ClinGen allele CA395656863.
Genomic context (GRCh38, chr16:31,109,749, plus strand): 5'-TGCAGCAAGAACTTCCAGTGAGGATTGCTCACCGCATCAAGGGCTTCCGCTGCCTTCCTT[T>C]CATCATTGGCTGCAACCCCACCATACTGCACGTGGTAAGGTAGAGAGGACCTTAGGTCAG-3'
Protein context (NP_005872.2, residues 104-124): HRIKGFRCLP[Phe114Ser]IIGCNPTILH

ClinVar aggregate classification (germline): Uncertain significance (1 of 4 stars; one submission).

Submission:

GeneDx
Classification: Uncertain significance. Last evaluated: 2022-07-21. Review status: criteria provided, single submitter. Criteria: GeneDx Variant Classification Process June 2021. Collection method: clinical testing. Allele origin: germline. Affected: yes.
Comment: Not observed at significant frequency in large population cohorts (gnomAD); In silico analysis supports that this missense variant has a deleterious effect on protein structure/function; Has not been previously published as pathogenic or benign to our knowledge